The following is an entry in ClinVar:

ClinVar aggregate classification (germline): Uncertain significance (1 of 4 stars; one submission).

Submission:

Labcorp Genetics (formerly Invitae), Labcorp
Classification: Uncertain significance. Last evaluated: 2023-11-07. Review status: criteria provided, single submitter. Criteria: Invitae Variant Classification Sherloc (09022015). Collection method: clinical testing. Allele origin: germline.
Comment: This sequence change creates a premature translational stop signal (p.Pro915Serfs*17) in the ADGRA3 gene. While this is not anticipated to result in nonsense mediated decay, it is expected to disrupt the last 407 amino acid(s) of the ADGRA3 protein. This variant is not present in population databases (gnomAD no frequency). This variant has not been reported in the literature in individuals affected with ADGRA3-related conditions. Experimental studies and prediction algorithms are not available or were not evaluated, and the functional significance of this variant is currently unknown. In summary, the available evidence is currently insufficient to determine the role of this variant in disease. Therefore, it has been classified as a Variant of Uncertain Significance.

NM_145290.4(ADGRA3):c.2742_2743insTC (p.Pro915fs)

Gene: ADGRA3 (adhesion G protein-coupled receptor A3; minus strand). Cytogenetic location: 4p15.2.
Variant type: Insertion.
Coding change: c.2742_2743insTC on transcript NM_145290.4 (MANE Select); coding-DNA positions 2742 to 2743, TC inserted.
Protein change: p.Pro915fs; shifts the reading frame from proline 915.
Molecular consequence: frameshift variant.
Genome position: GRCh38 VCF-style: chr4-22388928-G-GGA. GRCh37 (hg19) VCF-style: chr4-22390551-G-GGA.
Other names: short protein forms P915fs.
Identifiers: ClinVar variation 2879102 (VCV002879102.3), dbSNP rs2474688455, ClinGen allele CA2739270026.
Genomic context (GRCh38, chr4:22,388,928, plus strand): 5'-AGTACATGCAGTTTACAAAAGTGATGAAGCTGGCTGGCCCATAGAAGGCTCCCAAGGAGG[G>GGA]TTCCCATGCCATCCAGCAACTGGAAAAGAAAATGGTAAACCAGATCGATGCTACATGTTT-3'